The following is an entry in ClinVar:

ClinVar aggregate classification (germline): Benign/Likely benign. Review status: criteria provided, multiple submitters, no conflicts (2 of 4 stars). 10 submissions from 10 submitters: Benign (5); Likely benign (1). 4 of the submissions do not count toward it. Last evaluated 2026-02-04.

Conditions:
Nemaline myopathy 2 (NEM2). Also called: Nemaline myopathy 2, autosomal recessive. Identifiers: MedGen C1850569, MONDO:0009725, OMIM 256030.

Allele frequency attached by ClinVar (database versions not stated): 1000 Genomes Project 30x 0.00874; 1000 Genomes Project 0.00879; TOPMed 0.01116; ESP Exome Variant Server 0.01329; gnomAD 0.01358 and 0.01369.
gnomAD v4.1: 24,972 of 1,564,866 alleles (1.6%); highest among the groups gnomAD compares: Non-Finnish European, 1.7%; 269 homozygotes.

Submissions (10):

Labcorp Genetics (formerly Invitae), Labcorp
Classification: Benign for Nemaline myopathy 2. Last evaluated: 2026-02-04. Review status: criteria provided, single submitter. Criteria: Invitae Variant Classification Sherloc (09022015). Collection method: clinical testing. Allele origin: germline.

Blueprint Genetics
Classification: Likely benign. Last evaluated: 2024-11-26. Review status: criteria provided, single submitter. Criteria: ACMG Guidelines, 2015. Collection method: clinical testing. Allele origin: germline.

Mayo Clinic Laboratories, Mayo Clinic
Classification: Benign. Last evaluated: 2018-03-09. Review status: criteria provided, single submitter. Criteria: ACMG Guidelines, 2015. Collection method: clinical testing. Allele origin: germline. Observed: 20 variant alleles.

Illumina Laboratory Services, Illumina
Classification: Benign for Nemaline myopathy 2. Last evaluated: 2018-01-12. Review status: criteria provided, single submitter. Criteria: ICSL Variant Classification Criteria 13 December 2019. Collection method: clinical testing. Allele origin: germline.
Comment: This variant was observed in the ICSL laboratory as part of a predisposition screen in an ostensibly healthy population. It had not been previously curated by ICSL or reported in the Human Gene Mutation Database (HGMD: prior to June 1st, 2018), and was therefore a candidate for classification through an automated scoring system. Utilizing variant allele frequency, disease prevalence and penetrance estimates, and inheritance mode, an automated score was calculated to assess if this variant is too frequent to cause the disease. Based on the score and internal cut-off values, a variant classified as benign is not then subjected to further curation. The score for this variant resulted in a classification of benign for this disease.

GeneDx
Classification: Benign. Last evaluated: 2016-03-14. Review status: criteria provided, single submitter. Criteria: GeneDx Variant Classification (06012015). Collection method: clinical testing. Allele origin: germline. Affected: yes.
Comment: This variant is considered likely benign or benign based on one or more of the following criteria: it is a conservative change, it occurs at a poorly conserved position in the protein, it is predicted to be benign by multiple in silico algorithms, and/or has population frequency not consistent with disease.

Breakthrough Genomics
Classification: Benign. Review status: criteria provided, single submitter. Criteria: ACMG Guidelines, 2015. Collection method: not provided. Allele origin: germline. Inheritance: Autosomal recessive inheritance. Affected: yes.

Natera, Inc.
Classification: Benign for Nemaline myopathy type 2. Last evaluated: 2020-09-16. Review status: no assertion criteria provided. Collection method: clinical testing. Allele origin: germline. Not counted in ClinVar's aggregate classification.

Genetic Services Laboratory, University of Chicago
Classification: Likely benign for AllHighlyPenetrant. Review status: no assertion criteria provided. Collection method: clinical testing. Allele origin: germline. Inheritance: Autosomal recessive inheritance. Not counted in ClinVar's aggregate classification.
Comment: Likely benign based on allele frequency in 1000 Genomes Project or ESP global frequency and its presence in a patient with a rare or unrelated disease phenotype. NOT Sanger confirmed.

Genome Diagnostics Laboratory, University Medical Center Utrecht
Classification: Benign. Review status: no assertion criteria provided. Collection method: clinical testing. Allele origin: germline. Affected: yes. Study: VKGL Data-share Consensus. Not counted in ClinVar's aggregate classification.

Laboratory of Diagnostic Genome Analysis, Leiden University Medical Center (LUMC)
Classification: Likely benign. Review status: no assertion criteria provided. Collection method: clinical testing. Allele origin: germline. Affected: yes. Study: VKGL Data-share Consensus. Not counted in ClinVar's aggregate classification.

NM_001164508.2(NEB):c.11148G>C (p.Met3716Ile)

Gene: NEB (nebulin; minus strand). Cytogenetic location: 2q23.3.
Variant type: single nucleotide variant.
Coding change: c.11148G>C on transcript NM_001164508.2 (MANE Select); coding-DNA position 11148, G replaced by C.
Protein change: p.Met3716Ile; replaces methionine 3716 with isoleucine.
Molecular consequence: missense variant.
Genome position (GRCh38, 1-based): chr2:151,617,397, C>G on the plus strand (G>C on the coding strand, the complement: NEB is on the minus strand). VCF-style: chr2-151617397-C-G. GRCh37 (hg19) VCF-style: chr2-152473911-C-G.
Other names: p.Met3716Ile; c.11148G>C, p.Met3716Ile (NM_001164507.2, NM_001271208.2); c.10419G>C, p.Met3473Ile (NM_004543.5); short protein forms M3716I, M3473I.
Identifiers: ClinVar variation 129706 (VCV000129706.25), dbSNP rs149025191, ClinGen allele CA153880.